The following is an entry in ClinVar:

ClinVar aggregate classification (germline): Uncertain significance (1 of 4 stars; one submission).

gnomAD v4.1: 24 of 1,614,064 alleles (0.0015%); highest among the groups gnomAD compares: Non-Finnish European, 0.002%; no homozygotes.

Submission:

Labcorp Genetics (formerly Invitae), Labcorp
Classification: Uncertain significance. Last evaluated: 2023-04-11. Review status: criteria provided, single submitter. Criteria: Invitae Variant Classification Sherloc (09022015). Collection method: clinical testing. Allele origin: germline.
Comment: This sequence change replaces arginine, which is basic and polar, with proline, which is neutral and non-polar, at codon 1488 of the FBN3 protein (p.Arg1488Pro). This variant is not present in population databases (gnomAD no frequency). This variant has not been reported in the literature in individuals affected with FBN3-related conditions. Advanced modeling of protein sequence and biophysical properties (such as structural, functional, and spatial information, amino acid conservation, physicochemical variation, residue mobility, and thermodynamic stability) performed at Invitae indicates that this missense variant is expected to disrupt FBN3 protein function. In summary, the available evidence is currently insufficient to determine the role of this variant in disease. Therefore, it has been classified as a Variant of Uncertain Significance.

NM_032447.5(FBN3):c.4463G>C (p.Arg1488Pro)

Gene: FBN3 (fibrillin 3; minus strand). Cytogenetic location: 19p13.2.
Variant type: single nucleotide variant.
Coding change: c.4463G>C on transcript NM_032447.5 (MANE Select); coding-DNA position 4463, G replaced by C.
Protein change: p.Arg1488Pro; replaces arginine 1488 with proline.
Molecular consequence: missense variant.
Genome position (GRCh38, 1-based): chr19:8,109,382, C>G on the plus strand (G>C on the coding strand, the complement: FBN3 is on the minus strand). VCF-style: chr19-8109382-C-G. GRCh37 (hg19) VCF-style: chr19-8174266-C-G.
Other names: c.4463G>C, p.Arg1488Pro (NM_001321431.2); short protein forms R1488P.
Identifiers: ClinVar variation 2917633 (VCV002917633.3), dbSNP rs35442268, ClinGen allele CA403738338.
Genomic context (GRCh38, chr19:8,109,382, plus strand): 5'-GCACTGCAGGAAATGCCACTGTCCCCTCGGTCATGCGTCTCCAGGAAACAGTTCCCGGCC[C>G]GAGTGTCTGAACAGGCAGAAGGGGATGGTTAGTAGGTGTCAGAGGGAAAGCTGTATGTGT-3'
Protein context (NP_115823.3, residues 1478-1498): NPSGVGCVDT[Arg1488Pro]AGNCFLETHD